The following is an entry in ClinVar:

ClinVar aggregate classification (germline): Likely pathogenic (1 of 4 stars; one submission).

Conditions:
Hereditary breast ovarian cancer syndrome. Also called: Hereditary breast and/or ovarian cancer syndrome; Breast and ovarian cancer; BRCA1- and BRCA2-Associated Hereditary Breast and Ovarian Cancer; Hereditary breast and ovarian cancer syndrome; Hereditary breast and ovarian cancer syndrome (HBOC); Hereditary breast and ovarian cancer. Identifiers: Orphanet 145, MedGen C0677776, MeSH D061325, MONDO:0003582. Disease mechanism: loss of function.

Submission:

Labcorp Genetics (formerly Invitae), Labcorp
Classification: Likely pathogenic for BRCA1 and BRCA2 Hereditary Breast and Ovarian Cancer. Last evaluated: 2015-01-21. Review status: criteria provided, single submitter. Criteria: Invitae Variant Classification Sherloc (09022015). Collection method: clinical testing. Allele origin: germline.
Comment: This variant affects a a donor splice site in intron 2. It is expected to disrupt mRNA splicing and likely results in an absent or disrupted protein product. While this particular variant has not been reported in the literature, truncating variants in BRCA2 are known to be pathogenic (PMID: 20104584). For these reasons, this variant has been classified as Likely Pathogenic.

NM_000059.4(BRCA2):c.67+2del

Gene: BRCA2 (BRCA2 DNA repair associated; plus strand). Cytogenetic location: 13q13.1.
Variant type: Deletion.
Coding change: c.67+2del on transcript NM_000059.4 (MANE Select); the canonical splice donor site of the intron after coding-DNA position 67, one base deleted (T; older notation c.67+2delT).
Molecular consequence: splice donor variant. On other transcripts: intron variant (1).
Genome position (GRCh38, 1-based): chr13:32,316,529, T deleted. VCF-style (leftmost placement, unchanged base first): chr13-32316528-GT-G. GRCh37 (hg19) VCF-style: chr13-32890665-GT-G.
Other names: c.67+2delT (NM_000059.3); c.67+2del (NM_001406720.1, NM_001406719.1, NM_001406721.1); c.-303+862del (NM_001406722.1).
Identifiers: ClinVar variation 215979 (VCV000215979.3), dbSNP rs863224439, ClinGen allele CA335821.